The following is an entry in ClinVar:

ClinVar aggregate classification (germline): Conflicting classifications of pathogenicity. Review status: criteria provided, conflicting classifications (1 of 4 stars). 4 submissions from 3 submitters: Uncertain significance (2); Benign (1); Likely benign (1). Last evaluated 2026-02-01.

Conditions:
Supravalvar aortic stenosis (SVAS). Also called: Supravalvar aortic stenosis, Eisenberg type. Identifiers: Orphanet 3193, MedGen C0003499, MONDO:0008504, OMIM 185500, HP:0004381.
Cutis laxa, autosomal dominant 1 (ADCL1). Also called: ELN-Related Cutis Laxa. Identifiers: Orphanet 90348, MedGen C3276539, MONDO:0007411, OMIM 123700. Disease mechanism: Dominant Negative.

Allele frequency attached by ClinVar (database versions not stated): gnomAD 0.00001; gnomAD exomes 0.00001 and 0.00004; TOPMed 0.00002; ExAC 0.00003.
gnomAD v4.1: 18 of 1,613,890 alleles (0.0011%); highest among the groups gnomAD compares: Admixed American, 0.017%; no homozygotes.

Submissions (4):

CeGaT Center for Human Genetics Tuebingen
Classification: Likely benign. Last evaluated: 2026-02-01. Review status: criteria provided, single submitter. Criteria: CeGaT Center For Human Genetics Tuebingen Variant Classification Criteria Version 2. Collection method: clinical testing. Allele origin: germline. Affected: yes. Observed: 1 variant allele.
Comment: ELN: BP4

Labcorp Genetics (formerly Invitae), Labcorp
Classification: Uncertain significance for Supravalvar aortic stenosis. Last evaluated: 2025-01-15. Review status: criteria provided, single submitter. Criteria: Invitae Variant Classification Sherloc (09022015). Collection method: clinical testing. Allele origin: germline.
Comment: This sequence change replaces alanine, which is neutral and non-polar, with valine, which is neutral and non-polar, at codon 256 of the ELN protein (p.Ala256Val). This variant is present in population databases (rs782285456, gnomAD 0.02%). This variant has not been reported in the literature in individuals affected with ELN-related conditions. ClinVar contains an entry for this variant (Variation ID: 572254). Invitae Evidence Modeling of protein sequence and biophysical properties (such as structural, functional, and spatial information, amino acid conservation, physicochemical variation, residue mobility, and thermodynamic stability) indicates that this missense variant is not expected to disrupt ELN protein function with a negative predictive value of 80%. In summary, the available evidence is currently insufficient to determine the role of this variant in disease. Therefore, it has been classified as a Variant of Uncertain Significance.

Illumina Laboratory Services, Illumina
Classification: Uncertain significance for Supravalvar aortic stenosis. Last evaluated: 2017-10-19. Review status: criteria provided, single submitter. Criteria: ICSL Variant Classification Criteria 13 December 2019. Collection method: clinical testing. Allele origin: germline.
Comment: This variant was observed as part of a predisposition screen in an ostensibly healthy population. A literature search was performed for the gene, cDNA change, and amino acid change (where applicable). Publications were found based on this search. However, the evidence from the literature, in combination with allele frequency data from public databases where available, was not sufficient to rule this variant in or out of causing disease. Therefore, this variant is classified as a variant of unknown significance.

Illumina Laboratory Services, Illumina
Classification: Benign for Cutis laxa, autosomal dominant 1. Last evaluated: 2017-10-19. Review status: criteria provided, single submitter. Criteria: ICSL Variant Classification Criteria 13 December 2019. Collection method: clinical testing. Allele origin: germline.
Comment: This variant was observed as part of a predisposition screen in an ostensibly healthy population. A literature search was performed for the gene, cDNA change, and amino acid change (where applicable). Publications were found based on this search. The evidence from the literature, in combination with allele frequency data from public databases where available, was sufficient to rule this variant out of causing disease. Therefore, this variant is classified as benign.

Literature cited by the submitters: PubMed 28391405 (cited by Illumina Laboratory Services, Illumina).

NM_000501.4(ELN):c.767C>T (p.Ala256Val)

Gene: ELN (elastin; plus strand). Cytogenetic location: 7q11.23.
Variant type: single nucleotide variant.
Coding change: c.767C>T on transcript NM_000501.4 (MANE Select); coding-DNA position 767, C replaced by T.
Protein change: p.Ala256Val; replaces alanine 256 with valine.
Molecular consequence: missense variant.
Genome position (GRCh38, 1-based): chr7:74,048,524, C>T. VCF-style: chr7-74048524-C-T. GRCh37 (hg19) VCF-style: chr7-73462854-C-T.
Other names: c.737C>T, p.Ala246Val (NM_001081752.3, NM_001278917.2); c.782C>T, p.Ala261Val (NM_001081753.3, NM_001081754.3); c.767C>T, p.Ala256Val (NM_001081755.3, NM_001278912.2, NM_001278915.2 and 1 more transcripts); c.659C>T, p.Ala220Val (NM_001278913.2); c.752C>T, p.Ala251Val (NM_001278914.2); c.725C>T, p.Ala242Val (NM_001278916.2); c.635C>T, p.Ala212Val (NM_001278918.2); short protein forms A256V, A212V, A242V, A246V, A251V, A220V, A261V.
Identifiers: ClinVar variation 572254 (VCV000572254.17), dbSNP rs782285456, ClinGen allele CA4292687.